The following is an entry in ClinVar:

NM_005560.6(LAMA5):c.6661A>T (p.Ser2221Cys)

Gene: LAMA5 (laminin subunit alpha 5; minus strand). Cytogenetic location: 20q13.33.
Variant type: single nucleotide variant.
Coding change: c.6661A>T on transcript NM_005560.6 (MANE Select); coding-DNA position 6661, A replaced by T.
Protein change: p.Ser2221Cys; replaces serine 2221 with cysteine.
Molecular consequence: missense variant.
Genome position (GRCh38, 1-based): chr20:62,320,657, T>A on the plus strand (A>T on the coding strand, the complement: LAMA5 is on the minus strand). VCF-style: chr20-62320657-T-A. GRCh37 (hg19) VCF-style: chr20-60895713-T-A.
Other names: short protein forms S2221C.
Identifiers: ClinVar variation 1938653 (VCV001938653.5), dbSNP rs1295724338, ClinGen allele CA409557005.
Genomic context (GRCh38, chr20:62,320,657, plus strand): 5'-TGCTCTGCTGCTCCAGCACCTCCAGCTGCTGTGCCGTCTCATGGCGGGGGCCCAGGGGGC[T>A]CCGGAGCTGGCTCTGTGGGAGGCGAAAGGTGAAGGCCTGCACTGGCCCGGGTTGGGGAGG-3'
Protein context (NP_005551.3, residues 2211-2231): SIADLQSQLR[Ser2221Cys]PLGPRHETAQ

ClinVar aggregate classification (germline): Uncertain significance (1 of 4 stars; one submission).

Allele frequency attached by ClinVar (database versions not stated): gnomAD 0.00001.
gnomAD v4.1: 2 of 1,608,028 alleles (0.00012%); highest among the groups gnomAD compares: African/African-American, 0.0027%; no homozygotes.

Submission:

Labcorp Genetics (formerly Invitae), Labcorp
Classification: Uncertain significance. Last evaluated: 2022-08-07. Review status: criteria provided, single submitter. Criteria: Invitae Variant Classification Sherloc (09022015). Collection method: clinical testing. Allele origin: germline.
Comment: This variant has not been reported in the literature in individuals affected with LAMA5-related conditions. This variant is not present in population databases (gnomAD no frequency). This sequence change replaces serine, which is neutral and polar, with cysteine, which is neutral and slightly polar, at codon 2221 of the LAMA5 protein (p.Ser2221Cys). In summary, the available evidence is currently insufficient to determine the role of this variant in disease. Therefore, it has been classified as a Variant of Uncertain Significance. Algorithms developed to predict the effect of missense changes on protein structure and function are either unavailable or do not agree on the potential impact of this missense change (SIFT: "Deleterious"; PolyPhen-2: "Benign"; Align-GVGD: "Class C0").